The following is an entry in ClinVar:

NM_015089.4(CUL9):c.7284+5T>G

Gene: CUL9 (cullin 9; plus strand). Cytogenetic location: 6p21.1.
Variant type: single nucleotide variant.
Coding change: c.7284+5T>G on transcript NM_015089.4 (MANE Select); 5 bases into the intron after coding-DNA position 7284, T replaced by G.
Molecular consequence: intron variant.
Genome position (GRCh38, 1-based): chr6:43,223,402, T>G. VCF-style: chr6-43223402-T-G. GRCh37 (hg19) VCF-style: chr6-43191140-T-G.
Identifiers: ClinVar variation 2656588 (VCV002656588.24), dbSNP rs199596802, ClinGen allele CA3818925.

ClinVar aggregate classification (germline): Likely benign (1 of 4 stars; one submission).

Allele frequency attached by ClinVar (database versions not stated): gnomAD 0.00001; ExAC 0.00002; 1000 Genomes Project 30x 0.00016; 1000 Genomes Project 0.00020.
gnomAD v4.1: 5 of 1,590,104 alleles (0.00031%); highest among the groups gnomAD compares: Non-Finnish European, 0.00043%; no homozygotes.

Submission:

CeGaT Center for Human Genetics Tuebingen
Classification: Likely benign. Last evaluated: 2022-05-01. Review status: criteria provided, single submitter. Criteria: CeGaT Center For Human Genetics Tuebingen Variant Classification Criteria Version 2. Collection method: clinical testing. Allele origin: germline. Affected: yes. Observed: 1 variant allele.
Comment: CUL9: BP4